The following is an entry in ClinVar:

NM_004064.5(CDKN1B):c.229C>T (p.Gln77Ter)

Gene: CDKN1B (cyclin dependent kinase inhibitor 1B; plus strand). Cytogenetic location: 12p13.1.
Variant type: single nucleotide variant.
Coding change: c.229C>T on transcript NM_004064.5 (MANE Select); coding-DNA position 229, C replaced by T.
Protein change: p.Gln77Ter; replaces glutamine 77 with a stop codon.
Molecular consequence: nonsense.
Genome position (GRCh38, 1-based): chr12:12,718,068, C>T. VCF-style: chr12-12718068-C-T. GRCh37 (hg19) VCF-style: chr12-12871002-C-T.
Other names: c.229C>T (NM_004064.3); short protein forms Q77*.
Identifiers: ClinVar variation 2579973 (VCV002579973.10), dbSNP rs1946491661, ClinGen allele CA383969659.
Genomic context (GRCh38, chr12:12,718,068, plus strand): 5'-CAGCGCAAGTGGAATTTCGATTTTCAGAATCACAAACCCCTAGAGGGCAAGTACGAGTGG[C>T]AAGAGGTGGAGAAGGGCAGCTTGCCCGAGTTCTACTACAGACCCCCGCGGCCCCCCAAAG-3'

ClinVar aggregate classification (germline): Pathogenic/Likely pathogenic. Review status: criteria provided, multiple submitters, no conflicts (2 of 4 stars). 5 submissions from 5 submitters: Pathogenic (2); Likely pathogenic (2). 1 of the submissions does not count toward it. Last evaluated 2025-06-18.

Conditions:
CDKN1B-related disorder. Also called: CDKN1B-related condition.
Hereditary cancer-predisposing syndrome. Also called: Neoplastic Syndromes, Hereditary; Tumor predisposition; Hereditary neoplastic syndrome; Hereditary Cancer Syndrome. Identifiers: Orphanet 140162, MedGen C0027672, MeSH D009386, MONDO:0015356.
Multiple endocrine neoplasia type 4. Also called: MULTIPLE ENDOCRINE NEOPLASIA, TYPE IV. Identifiers: Orphanet 276152, MedGen C1970712, MONDO:0012552, OMIM 610755.

Submissions (5):

Labcorp Genetics (formerly Invitae), Labcorp
Classification: Pathogenic for Multiple endocrine neoplasia type 4. Last evaluated: 2025-06-18. Review status: criteria provided, single submitter. Criteria: Invitae Variant Classification Sherloc (09022015). Collection method: clinical testing. Allele origin: germline.
Comment: This sequence change creates a premature translational stop signal (p.Gln77*) in the CDKN1B gene. It is expected to result in an absent or disrupted protein product. Loss-of-function variants in CDKN1B are known to be pathogenic (PMID: 17030811, 24819502). This variant is not present in population databases (gnomAD no frequency). This variant has not been reported in the literature in individuals affected with CDKN1B-related conditions. ClinVar contains an entry for this variant (Variation ID: 2579973). For these reasons, this variant has been classified as Pathogenic.

GeneDx
Classification: Likely pathogenic. Last evaluated: 2023-09-18. Review status: criteria provided, single submitter. Criteria: GeneDx Variant Classification Process June 2021. Collection method: clinical testing. Allele origin: germline.
Comment: Nonsense variant predicted to result in protein truncation or nonsense mediated decay in a gene for which loss of function is a known mechanism of disease; Not observed at significant frequency in large population cohorts (gnomAD); Has not been previously published as pathogenic or benign to our knowledge

Ambry Genetics
Classification: Pathogenic for Hereditary cancer-predisposing syndrome. Last evaluated: 2023-06-20. Review status: criteria provided, single submitter. Criteria: Ambry Variant Classification Scheme 2023. Collection method: clinical testing. Allele origin: germline.
Comment: The p.Q77* pathogenic mutation (also known as c.229C>T), located in coding exon 1 of the CDKN1B gene, results from a C to T substitution at nucleotide position 229. This changes the amino acid from a glutamine to a stop codon within coding exon 1. This variant is considered to be rare based on population cohorts in the Genome Aggregation Database (gnomAD). This alteration is expected to result in loss of function by premature protein truncation or nonsense-mediated mRNA decay. As such, this alteration is interpreted as a disease-causing mutation.

ARUP Laboratories, Molecular Genetics and Genomics, ARUP Laboratories
Classification: Likely pathogenic for Multiple endocrine neoplasia type 4. Review status: criteria provided, single submitter. Criteria: ARUP Molecular Germline Variant Investigation Process 2024. Collection method: clinical testing. Allele origin: germline.
Comment: The CDKN1B c.229C>T; p.Gln77Ter variant, to our knowledge, is not reported in the medical literature or gene specific databases. This variant is also absent from the Genome Aggregation Database (v2.1.1), indicating it is not a common polymorphism. This variant induces an early termination codon and is predicted to result in a truncated protein or mRNA subject to nonsense-mediated decay. Based on available information, this variant is considered to be likely pathogenic.

PreventionGenetics, part of Exact Sciences
Classification: Likely pathogenic for CDKN1B-related condition. Last evaluated: 2024-04-02. Review status: no assertion criteria provided. Collection method: clinical testing. Allele origin: germline. Not counted in ClinVar's aggregate classification.
Comment: The CDKN1B c.229C>T variant is predicted to result in premature protein termination (p.Gln77*). To our knowledge, this variant has not been reported in the literature or in a large population database, indicating this variant is rare. Nonsense variants in CDKN1B are expected to be pathogenic. This variant is interpreted as likely pathogenic.

Literature cited by the submitters: PubMed 17030811 (cited by Labcorp Genetics (formerly Invitae), Labcorp); PubMed 24819502 (cited by Labcorp Genetics (formerly Invitae), Labcorp).